The following is an entry in ClinVar:

ClinVar aggregate classification (germline): Conflicting classifications of pathogenicity. Review status: criteria provided, conflicting classifications (1 of 4 stars). 2 submissions from 2 submitters: Uncertain significance (1); Likely benign (1). Last evaluated 2023-03-23.

Conditions:
Hereditary cancer-predisposing syndrome. Also called: Tumor predisposition; Hereditary neoplastic syndrome; Neoplastic Syndromes, Hereditary; Hereditary Cancer Syndrome. Identifiers: Orphanet 140162, MedGen C0027672, MeSH D009386, MONDO:0015356.
Hereditary breast ovarian cancer syndrome. Also called: BRCA1- and BRCA2-Associated Hereditary Breast and Ovarian Cancer; Hereditary breast and ovarian cancer; Hereditary breast and/or ovarian cancer syndrome; Hereditary breast and ovarian cancer syndrome; Hereditary breast and ovarian cancer syndrome (HBOC); Breast and ovarian cancer. Identifiers: Orphanet 145, MedGen C0677776, MeSH D061325, MONDO:0003582. Disease mechanism: loss of function.

Submissions (2):

University of Washington Department of Laboratory Medicine, University of Washington
Classification: Likely benign for Hereditary cancer-predisposing syndrome. Last evaluated: 2023-03-23. Review status: criteria provided, single submitter. Criteria: Dines et al. (Genet Med. 2020). Collection method: curation. Allele origin: germline.
Comment: Missense variant in a coldspot region where missense variants are very unlikely to be pathogenic (PMID:31911673).

BRCA2 exon 11 coldspot. Reclassification based on statistical prior probability.

Labcorp Genetics (formerly Invitae), Labcorp
Classification: Uncertain significance for Hereditary breast ovarian cancer syndrome. Last evaluated: 2021-06-13. Review status: criteria provided, single submitter. Criteria: Invitae Variant Classification Sherloc (09022015). Collection method: clinical testing. Allele origin: germline.
Comment: In summary, the available evidence is currently insufficient to determine the role of this variant in disease. Therefore, it has been classified as a Variant of Uncertain Significance. Advanced modeling of protein sequence and biophysical properties (such as structural, functional, and spatial information, amino acid conservation, physicochemical variation, residue mobility, and thermodynamic stability) performed at Invitae indicates that this missense variant is not expected to disrupt BRCA2 protein function. This variant has not been reported in the literature in individuals with BRCA2-related conditions. This variant is not present in population databases (ExAC no frequency). This sequence change replaces valine with leucine at codon 1969 of the BRCA2 protein (p.Val1969Leu). The valine residue is weakly conserved and there is a small physicochemical difference between valine and leucine.

NM_000059.4(BRCA2):c.5905G>C (p.Val1969Leu)

Gene: BRCA2 (BRCA2 DNA repair associated; plus strand). Cytogenetic location: 13q13.1.
Variant type: single nucleotide variant.
Coding change: c.5905G>C on transcript NM_000059.4 (MANE Select); coding-DNA position 5905, G replaced by C.
Protein change: p.Val1969Leu; replaces valine 1969 with leucine.
Molecular consequence: missense variant.
Genome position (GRCh38, 1-based): chr13:32,340,260, G>C. VCF-style: chr13-32340260-G-C. GRCh37 (hg19) VCF-style: chr13-32914397-G-C.
Other names: short protein forms V1969L.
Identifiers: ClinVar variation 1360919 (VCV001360919.9), dbSNP rs1566233487, ClinGen allele CA387787502.